The following is an entry in ClinVar:

ClinVar aggregate classification (germline): Conflicting classifications of pathogenicity. Review status: criteria provided, conflicting classifications (1 of 4 stars). 3 submissions from 3 submitters: Uncertain significance (2); Likely benign (1). Last evaluated 2025-06-10.

Conditions:
Hereditary cancer-predisposing syndrome. Also called: Hereditary neoplastic syndrome; Tumor predisposition; Neoplastic Syndromes, Hereditary; Hereditary Cancer Syndrome. Identifiers: Orphanet 140162, MedGen C0027672, MeSH D009386, MONDO:0015356.
Tuberous sclerosis 1 (TSC1). Identifiers: Orphanet 805, MedGen C1854465, MONDO:0008612, OMIM 191100.

Submissions (3):

Labcorp Genetics (formerly Invitae), Labcorp
Classification: Uncertain significance for Tuberous sclerosis 1. Last evaluated: 2025-06-10. Review status: criteria provided, single submitter. Criteria: Invitae Variant Classification Sherloc (09022015). Collection method: clinical testing. Allele origin: germline.
Comment: This sequence change replaces asparagine, which is neutral and polar, with aspartic acid, which is acidic and polar, at codon 805 of the TSC1 protein (p.Asn805Asp). This variant is not present in population databases (gnomAD no frequency). This variant has not been reported in the literature in individuals affected with TSC1-related conditions. ClinVar contains an entry for this variant (Variation ID: 856599). Invitae Evidence Modeling of protein sequence and biophysical properties (such as structural, functional, and spatial information, amino acid conservation, physicochemical variation, residue mobility, and thermodynamic stability) indicates that this missense variant is not expected to disrupt TSC1 protein function with a negative predictive value of 95%. In summary, the available evidence is currently insufficient to determine the role of this variant in disease. Therefore, it has been classified as a Variant of Uncertain Significance.

Ambry Genetics
Classification: Likely benign for Hereditary cancer-predisposing syndrome. Last evaluated: 2024-08-28. Review status: criteria provided, single submitter. Criteria: Ambry Variant Classification Scheme 2023. Collection method: clinical testing. Allele origin: germline.

GeneDx
Classification: Uncertain significance. Last evaluated: 2024-04-01. Review status: criteria provided, single submitter. Criteria: GeneDx Variant Classification Process June 2021. Collection method: clinical testing. Allele origin: germline. Affected: yes.
Comment: Not observed at significant frequency in large population cohorts (gnomAD); In silico analysis supports that this missense variant does not alter protein structure/function; Has not been previously published as pathogenic or benign to our knowledge; This variant is associated with the following publications: (PMID: 18466115)

NM_000368.5(TSC1):c.2413A>G (p.Asn805Asp)

Gene: TSC1 (TSC complex subunit 1; minus strand). Cytogenetic location: 9q34.13.
Variant type: single nucleotide variant.
Coding change: c.2413A>G on transcript NM_000368.5 (MANE Select); coding-DNA position 2413, A replaced by G.
Protein change: p.Asn805Asp; replaces asparagine 805 with aspartic acid.
Molecular consequence: missense variant.
Genome position (GRCh38, 1-based): chr9:132,901,678, T>C on the plus strand (A>G on the coding strand, the complement: TSC1 is on the minus strand). VCF-style: chr9-132901678-T-C. GRCh37 (hg19) VCF-style: chr9-135777065-T-C.
Other names: c.2410A>G, p.Asn804Asp (NM_001162426.2); c.2260A>G, p.Asn754Asp (NM_001162427.2); c.2050A>G, p.Asn684Asp (NM_001362177.2); short protein forms N754D, N805D, N684D, N804D.
Identifiers: ClinVar variation 856599 (VCV000856599.14), dbSNP rs1845380748, ClinGen allele CA375358712.